The following is an entry in ClinVar:

NM_004327.4(BCR):c.455C>T (p.Ala152Val)

Gene: BCR (BCR activator of RhoGEF and GTPase; plus strand). Cytogenetic location: 22q11.23.
Variant type: single nucleotide variant.
Coding change: c.455C>T on transcript NM_004327.4 (MANE Select); coding-DNA position 455, C replaced by T.
Protein change: p.Ala152Val; replaces alanine 152 with valine.
Molecular consequence: missense variant.
Genome position (GRCh38, 1-based): chr22:23,181,415, C>T. VCF-style: chr22-23181415-C-T. GRCh37 (hg19) VCF-style: chr22-23523602-C-T.
Other names: c.455C>T, p.Ala152Val (NM_021574.3); short protein forms A152V.
Identifiers: ClinVar variation 708500 (VCV000708500.25), dbSNP rs149933313, ClinGen allele CA10141715.

ClinVar aggregate classification (germline): Benign. Review status: criteria provided, multiple submitters, no conflicts (2 of 4 stars). 2 submissions from 2 submitters: Benign (2). Last evaluated 2024-02-01.

Allele frequency attached by ClinVar (database versions not stated): ESP Exome Variant Server 0.00065; TOPMed 0.00093; 1000 Genomes Project 30x 0.00094; 1000 Genomes Project 0.00140; gnomAD 0.00208 and 0.00217; gnomAD exomes 0.00214 and 0.00272; ExAC 0.00356.
gnomAD v4.1: 3,316 of 1,575,312 alleles (0.21%); highest among the groups gnomAD compares: Non-Finnish European, 0.2%; 16 homozygotes.

Submissions (2):

CeGaT Center for Human Genetics Tuebingen
Classification: Benign. Last evaluated: 2024-02-01. Review status: criteria provided, single submitter. Criteria: CeGaT Center For Human Genetics Tuebingen Variant Classification Criteria Version 2. Collection method: clinical testing. Allele origin: germline. Affected: yes. Observed: 1 variant allele.
Comment: BCR: BS1, BS2

Labcorp Genetics (formerly Invitae), Labcorp
Classification: Benign. Last evaluated: 2018-07-23. Review status: criteria provided, single submitter. Criteria: Invitae Variant Classification Sherloc (09022015). Collection method: clinical testing. Allele origin: germline.